The following is an entry in ClinVar:

NM_018965.4(TREM2):c.41-20AATG[3]

Gene: TREM2 (triggering receptor expressed on myeloid cells 2; minus strand). Cytogenetic location: 6p21.1.
Variant type: Microsatellite.
Coding change: c.41-20AATG[3] on transcript NM_018965.4 (MANE Select); three copies in a row of the 4-base unit AATG starting at c.41-20; the reference has two copies in a row; one copy, 4 bases duplicated.
Molecular consequence: intron variant.
Genome position (GRCh38, 1-based): chr6:41,161,626-41,161,629, CATT duplicated on the plus strand (AATG on the coding strand, the reverse complement: TREM2 is on the minus strand); duplicating any 4 consecutive bases within chr6:41,161,626-41,161,635 gives the same sequence; the position shown is the placement nearest the transcript's 3' end. VCF-style (leftmost placement, unchanged base first): chr6-41161625-A-ACATT. GRCh37 (hg19) VCF-style: chr6-41129363-A-ACATT.
Other names: c.41-20AATG[3] (NM_001271821.2).
Identifiers: ClinVar variation 2573592 (VCV002573592.1), dbSNP rs2532388966, ClinGen allele CA2580614875.

ClinVar aggregate classification (germline): Uncertain significance (1 of 4 stars; one submission).

Submission:

Women's Health and Genetics/Laboratory Corporation of America, LabCorp
Classification: Uncertain significance. Last evaluated: 2023-06-27. Review status: criteria provided, single submitter. Criteria: LabCorp Variant Classification Summary - May 2015. Collection method: clinical testing. Allele origin: germline.
Comment: Variant summary: TREM2 c.41-16_41-13dupAATG alters a nucleotide located close to a canonical splice site and therefore could affect mRNA splicing, leading to a significantly altered protein sequence. 4/4 computational tools predict no significant impact on normal splicing. However, these predictions have yet to be confirmed by functional studies. The variant was absent in 237580 control chromosomes (gnomAD). The available data on variant occurrences in the general population are insufficient to allow any conclusion about variant significance. To our knowledge, no occurrence of c.41-16_41-13dupAATG in individuals affected with Polycystic Lipomembranous Osteodysplasia With Sclerosing Leukoencephalopathy 2 and no experimental evidence demonstrating its impact on protein function have been reported. No submitters have cited clinical-significance assessments for this variant to ClinVar after 2014. Based on the evidence outlined above, the variant was classified as uncertain significance.